The following is an entry in ClinVar:

NM_022552.5(DNMT3A):c.1716C>G (p.Ala572=)

Gene: DNMT3A (DNA methyltransferase 3 alpha; minus strand). Cytogenetic location: 2p23.3.
Variant type: single nucleotide variant.
Coding change: c.1716C>G on transcript NM_022552.5 (MANE Select); coding-DNA position 1716, C replaced by G.
Protein change: p.Ala572=; no amino-acid change (alanine 572 retained).
Molecular consequence: synonymous variant. On other transcripts: non-coding transcript variant (1).
Genome position (GRCh38, 1-based): chr2:25,244,290, G>C on the plus strand (C>G on the coding strand, the complement: DNMT3A is on the minus strand). VCF-style: chr2-25244290-G-C. GRCh37 (hg19) VCF-style: chr2-25467159-G-C.
Other names: c.1716C>G (NM_022552.3); c.1260C>G, p.Ala420= (NM_001320893.1); c.1047C>G, p.Ala349= (NM_001375819.1); c.1149C>G, p.Ala383= (NM_153759.3); c.1716C>G, p.Ala572= (NM_175629.2).
Identifiers: ClinVar variation 2727128 (VCV002727128.6), dbSNP rs998550516, ClinGen allele CA43703404.
Genomic context (GRCh38, chr2:25,244,290, plus strand): 5'-GTAGGTACCCTTGTGCCCGCACATGTAGCAGTTCCAGGGGTCTTCCTTAATGGCTGCCTG[G>C]GCAGCCCCCGGCCCCACCAAGAGGTCCACACACTCCACGCAAAAGCACCTGGAAGGAGAC-3'
Protein context (NP_072046.2, residues 562-582): CVDLLVGPGA[Ala572=]QAAIKEDPWN

ClinVar aggregate classification (germline): Likely benign. Review status: criteria provided, multiple submitters, no conflicts (2 of 4 stars). 3 submissions from 3 submitters: Likely benign (2). 1 of the submissions does not count toward it. Last evaluated 2025-04-17.

Conditions:
Tatton-Brown-Rahman overgrowth syndrome. Also called: Tatton-Brown-Rahman syndrome; Tall stature-intellectual disability-facial dysmorphism syndrome. Identifiers: Orphanet 404443, MedGen C4014545, MONDO:0014382, OMIM 615879.
DNMT3A-related disorder. Also called: DNMT3A-related disorders; DNMT3A-related condition.
Inborn genetic diseases. Identifiers: MedGen C0950123, MeSH D030342.

Allele frequency attached by ClinVar (database versions not stated): gnomAD exomes 0.00001; gnomAD 0.00005; TOPMed 0.00007.
gnomAD v4.1: 18 of 1,611,112 alleles (0.0011%); highest among the groups gnomAD compares: African/African-American, 0.02%; no homozygotes.

Submissions (3):

Labcorp Genetics (formerly Invitae), Labcorp
Classification: Likely benign for Tatton-Brown-Rahman overgrowth syndrome. Last evaluated: 2025-04-17. Review status: criteria provided, single submitter. Criteria: Invitae Variant Classification Sherloc (09022015). Collection method: clinical testing. Allele origin: germline.

Ambry Genetics
Classification: Likely benign for Inborn genetic diseases. Last evaluated: 2024-12-07. Review status: criteria provided, single submitter. Criteria: Ambry Variant Classification Scheme 2023. Collection method: clinical testing. Allele origin: germline.

PreventionGenetics, part of Exact Sciences
Classification: Likely benign for DNMT3A-related condition. Last evaluated: 2021-09-09. Review status: no assertion criteria provided. Collection method: clinical testing. Allele origin: germline. Not counted in ClinVar's aggregate classification.
Comment: This variant is classified as likely benign based on ACMG/AMP sequence variant interpretation guidelines (Richards et al. 2015 PMID: 25741868, with internal and published modifications).